The following is an entry in ClinVar:

NC_000013.11:g.(?_100154969)_(100273356_?)del

Gene: PCCA (propionyl-CoA carboxylase subunit alpha; plus strand). Cytogenetic location: 13q32.3.
Variant type: Deletion.
Identifiers: ClinVar variation 832682 (VCV000832682.7).

ClinVar aggregate classification (germline): Likely pathogenic (1 of 4 stars; one submission).

Conditions:
Propionic acidemia (PROP). Also called: GLYCINEMIA, KETOTIC; HYPERGLYCINEMIA WITH KETOACIDOSIS AND LEUKOPENIA; KETOTIC HYPERGLYCINEMIA. Identifiers: Orphanet 35, MedGen C0268579, MONDO:0011628, OMIM 606054, HP:0003571.

Submission:

Labcorp Genetics (formerly Invitae), Labcorp
Classification: Likely pathogenic for Propionic acidemia. Last evaluated: 2019-09-13. Review status: criteria provided, single submitter. Criteria: Invitae Variant Classification Sherloc (09022015). Collection method: clinical testing. Allele origin: germline.
Comment: This variant has not been reported in the literature in individuals with PCCA-related conditions. In summary, the currently available evidence indicates that the variant is pathogenic, but additional data are needed to prove that conclusively. Therefore, this variant has been classified as Likely Pathogenic. This variant disrupts the p.Arg288 amino acid residue in PCCA. Other variant(s) that disrupt this residue have been determined to be pathogenic (PMID: 7915138, 20493181, 20725044, 27227689). This suggests that this residue is clinically significant, and that variants that disrupt this residue are likely to be disease-causing. This variant is an in-frame deletion of the genomic region encompassing exons 5-12 of the PCCA gene. It preserves the integrity of the reading frame.

Literature cited by the submitters: PubMed 7915138; PubMed 20493181; PubMed 20725044; PubMed 27227689.